The following is an entry in ClinVar:

NM_018417.6(ADCY10):c.3235G>A (p.Gly1079Arg)

Gene: ADCY10 (adenylate cyclase 10; minus strand). Cytogenetic location: 1q24.2.
Variant type: single nucleotide variant.
Coding change: c.3235G>A on transcript NM_018417.6 (MANE Select); coding-DNA position 3235, G replaced by A.
Protein change: p.Gly1079Arg; replaces glycine 1079 with arginine.
Molecular consequence: missense variant.
Genome position (GRCh38, 1-based): chr1:167,836,383, C>T on the plus strand (G>A on the coding strand, the complement: ADCY10 is on the minus strand). VCF-style: chr1-167836383-C-T. GRCh37 (hg19) VCF-style: chr1-167805621-C-T.
Other names: c.2776G>A, p.Gly926Arg (NM_001167749.3); c.2959G>A, p.Gly987Arg (NM_001297772.2); short protein forms G987R, G1079R, G926R.
Identifiers: ClinVar variation 2064447 (VCV002064447.6), dbSNP rs145538707, ClinGen allele CA1227416.

ClinVar aggregate classification (germline): Likely benign. Review status: criteria provided, single submitter (1 of 4 stars). 2 submissions from 2 submitters: Likely benign (1). 1 of the submissions does not count toward it. Last evaluated 2025-06-12.

Conditions:
ADCY10-related disorder. Also called: ADCY10-related condition.

Allele frequency attached by ClinVar (database versions not stated): gnomAD exomes 0.00012; ExAC 0.00040; 1000 Genomes Project 0.00100; 1000 Genomes Project 30x 0.00125; gnomAD 0.00126; TOPMed 0.00131; ESP Exome Variant Server 0.00154.
gnomAD v4.1: 371 of 1,614,064 alleles (0.023%); highest among the groups gnomAD compares: African/African-American, 0.47%; 1 homozygote.

Submissions (2):

Labcorp Genetics (formerly Invitae), Labcorp
Classification: Likely benign. Last evaluated: 2025-06-12. Review status: criteria provided, single submitter. Criteria: Invitae Variant Classification Sherloc (09022015). Collection method: clinical testing. Allele origin: germline.

PreventionGenetics, part of Exact Sciences
Classification: Likely benign for ADCY10-related condition. Last evaluated: 2019-06-11. Review status: no assertion criteria provided. Collection method: clinical testing. Allele origin: germline. Not counted in ClinVar's aggregate classification.
Comment: This variant is classified as likely benign based on ACMG/AMP sequence variant interpretation guidelines (Richards et al. 2015 PMID: 25741868, with internal and published modifications).